The following is an entry in ClinVar:

ClinVar aggregate classification (germline): Uncertain significance (1 of 4 stars; one submission).

gnomAD v4.1: 9 of 1,607,356 alleles (0.00056%); highest among the groups gnomAD compares: Admixed American, 0.015%; no homozygotes.

Submission:

Labcorp Genetics (formerly Invitae), Labcorp
Classification: Uncertain significance. Last evaluated: 2022-04-28. Review status: criteria provided, single submitter. Criteria: Invitae Variant Classification Sherloc (09022015). Collection method: clinical testing. Allele origin: germline.
Comment: This sequence change replaces leucine, which is neutral and non-polar, with valine, which is neutral and non-polar, at codon 333 of the KATNB1 protein (p.Leu333Val). This variant is present in population databases (rs781969053, gnomAD 0.03%). This variant has not been reported in the literature in individuals affected with KATNB1-related conditions. Advanced modeling of protein sequence and biophysical properties (such as structural, functional, and spatial information, amino acid conservation, physicochemical variation, residue mobility, and thermodynamic stability) performed at Invitae indicates that this missense variant is not expected to disrupt KATNB1 protein function. In summary, the available evidence is currently insufficient to determine the role of this variant in disease. Therefore, it has been classified as a Variant of Uncertain Significance.

NM_005886.3(KATNB1):c.997C>G (p.Leu333Val)

Gene: KATNB1 (katanin regulatory subunit B1; plus strand). Cytogenetic location: 16q21.
Variant type: single nucleotide variant.
Coding change: c.997C>G on transcript NM_005886.3 (MANE Select); coding-DNA position 997, C replaced by G.
Protein change: p.Leu333Val; replaces leucine 333 with valine.
Molecular consequence: missense variant.
Genome position (GRCh38, 1-based): chr16:57,753,218, C>G. VCF-style: chr16-57753218-C-G. GRCh37 (hg19) VCF-style: chr16-57787130-C-G.
Other names: short protein forms L333V.
Identifiers: ClinVar variation 1930163 (VCV001930163.2), dbSNP rs781969053, ClinGen allele CA8080968.